The following is an entry in ClinVar:

NM_001184.4(ATR):c.4820G>A (p.Ser1607Asn)

Gene: ATR (ATR checkpoint kinase; minus strand). Cytogenetic location: 3q23.
Variant type: single nucleotide variant.
Coding change: c.4820G>A on transcript NM_001184.4 (MANE Select); coding-DNA position 4820, G replaced by A.
Protein change: p.Ser1607Asn; replaces serine 1607 with asparagine.
Molecular consequence: missense variant.
Genome position (GRCh38, 1-based): chr3:142,512,292, C>T on the plus strand (G>A on the coding strand, the complement: ATR is on the minus strand). VCF-style: chr3-142512292-C-T. GRCh37 (hg19) VCF-style: chr3-142231134-C-T.
Other names: c.4628G>A, p.Ser1543Asn (NM_001354579.2); short protein forms S1607N, S1543N.
Identifiers: ClinVar variation 343603 (VCV000343603.45), dbSNP rs55724025, ClinGen allele CA2649761.

ClinVar aggregate classification (germline): Benign/Likely benign. Review status: criteria provided, multiple submitters, no conflicts (2 of 4 stars). 8 submissions from 7 submitters: Benign (5); Likely benign (3). Last evaluated 2026-08-01.

Conditions:
Familial cutaneous telangiectasia and oropharyngeal predisposition cancer syndrome. Identifiers: Orphanet 313846, MedGen C3281203, MONDO:0013806, OMIM 614564.
Seckel syndrome 1 (SCKL1). Also called: MICROCEPHALIC PRIMORDIAL DWARFISM I. Identifiers: Orphanet 808, MedGen C4551474, MONDO:0008869, OMIM 210600.

Allele frequency attached by ClinVar (database versions not stated): gnomAD exomes 0.00033 and 0.00097; ExAC 0.00137; ESP Exome Variant Server 0.00369; gnomAD 0.00394 and 0.00414; TOPMed 0.00410; 1000 Genomes Project 30x 0.00453; 1000 Genomes Project 0.00479.
gnomAD v4.1: 1,082 of 1,601,144 alleles (0.068%); highest among the groups gnomAD compares: African/African-American, 1.3%; 5 homozygotes.

Submissions (8):

CeGaT Center for Human Genetics Tuebingen
Classification: Likely benign. Last evaluated: 2026-08-01. Review status: criteria provided, single submitter. Criteria: CeGaT Center For Human Genetics Tuebingen Variant Classification Criteria Version 2. Collection method: clinical testing. Allele origin: germline. Affected: yes. Observed: 6 variant alleles.
Comment: ATR: BP4, BS1

Labcorp Genetics (formerly Invitae), Labcorp
Classification: Benign. Last evaluated: 2026-01-26. Review status: criteria provided, single submitter. Criteria: Invitae Variant Classification Sherloc (09022015). Collection method: clinical testing. Allele origin: germline.

Blueprint Genetics
Classification: Likely benign. Last evaluated: 2024-11-26. Review status: criteria provided, single submitter. Criteria: ACMG Guidelines, 2015. Collection method: clinical testing. Allele origin: germline.

Genome-Nilou Lab
Classification: Benign for Seckel syndrome 1. Last evaluated: 2023-02-08. Review status: criteria provided, single submitter. Criteria: ACMG Guidelines, 2015. Collection method: clinical testing. Allele origin: germline.

Genome-Nilou Lab
Classification: Benign for Familial cutaneous telangiectasia and oropharyngeal predisposition cancer syndrome. Last evaluated: 2023-02-08. Review status: criteria provided, single submitter. Criteria: ACMG Guidelines, 2015. Collection method: clinical testing. Allele origin: germline.

GeneDx
Classification: Benign. Last evaluated: 2021-05-05. Review status: criteria provided, single submitter. Criteria: GeneDx Variant Classification Process June 2021. Collection method: clinical testing. Allele origin: germline. Affected: yes.

Genetic Services Laboratory, University of Chicago
Classification: Likely benign. Last evaluated: 2019-01-23. Review status: criteria provided, single submitter. Criteria: ACMG Guidelines, 2015. Collection method: clinical testing. Allele origin: germline. Affected: no.

Illumina Laboratory Services, Illumina
Classification: Benign for Seckel syndrome 1. Last evaluated: 2018-01-13. Review status: criteria provided, single submitter. Criteria: ICSL Variant Classification Criteria 13 December 2019. Collection method: clinical testing. Allele origin: germline.
Comment: This variant was observed in the ICSL laboratory as part of a predisposition screen in an ostensibly healthy population. It had not been previously curated by ICSL or reported in the Human Gene Mutation Database (HGMD: prior to June 1st, 2018), and was therefore a candidate for classification through an automated scoring system. Utilizing variant allele frequency, disease prevalence and penetrance estimates, and inheritance mode, an automated score was calculated to assess if this variant is too frequent to cause the disease. Based on the score and internal cut-off values, a variant classified as benign is not then subjected to further curation. The score for this variant resulted in a classification of benign for this disease.